The following is an entry in ClinVar:

NM_012452.3(TNFRSF13B):c.612T>G (p.Ser204Arg)

Gene: TNFRSF13B (TNF receptor superfamily member 13B; minus strand). Cytogenetic location: 17p11.2.
Variant type: single nucleotide variant.
Coding change: c.612T>G on transcript NM_012452.3 (MANE Select); coding-DNA position 612, T replaced by G.
Protein change: p.Ser204Arg; replaces serine 204 with arginine.
Molecular consequence: missense variant.
Genome position (GRCh38, 1-based): chr17:16,940,345, A>C on the plus strand (T>G on the coding strand, the complement: TNFRSF13B is on the minus strand). VCF-style: chr17-16940345-A-C. GRCh37 (hg19) VCF-style: chr17-16843659-A-C.
Other names: short protein forms S204R.
Identifiers: ClinVar variation 855155 (VCV000855155.6), dbSNP rs2087500053, ClinGen allele CA398519397.

ClinVar aggregate classification (germline): Uncertain significance (1 of 4 stars; one submission).

Conditions:
Immunodeficiency, common variable, 2 (CVID2). Also called: HYPOGAMMAGLOBULINEMIA DUE TO TACI DEFICIENCY; ANTIBODY DEFICIENCY DUE TO TACI DEFECT. Identifiers: Orphanet 1572, MedGen C3150354, MONDO:0009413, OMIM 240500.

Allele frequency attached by ClinVar (database versions not stated): TOPMed below 0.00001; gnomAD 0.00001.
gnomAD v4.1: 1 of 1,613,502 alleles (0.000062%); highest among the groups gnomAD compares: African/African-American, 0.0013%; no homozygotes.

Submission:

Labcorp Genetics (formerly Invitae), Labcorp
Classification: Uncertain significance for Immunodeficiency, common variable, 2. Last evaluated: 2022-05-31. Review status: criteria provided, single submitter. Criteria: Invitae Variant Classification Sherloc (09022015). Collection method: clinical testing. Allele origin: germline.
Comment: Algorithms developed to predict the effect of missense changes on protein structure and function are either unavailable or do not agree on the potential impact of this missense change (SIFT: "Deleterious"; PolyPhen-2: "Benign"; Align-GVGD: "Class C0"). This sequence change replaces serine, which is neutral and polar, with arginine, which is basic and polar, at codon 204 of the TNFRSF13B protein (p.Ser204Arg). This variant is not present in population databases (gnomAD no frequency). This variant has not been reported in the literature in individuals affected with TNFRSF13B-related conditions. ClinVar contains an entry for this variant (Variation ID: 855155). In summary, the available evidence is currently insufficient to determine the role of this variant in disease. Therefore, it has been classified as a Variant of Uncertain Significance.